The following is an entry in ClinVar:

NM_004484.4(GPC3):c.-39G>A

Gene: GPC3 (glypican 3; minus strand). Cytogenetic location: Xq26.2.
Variant type: single nucleotide variant.
Coding change: c.-39G>A on transcript NM_004484.4 (MANE Select); 39 bases upstream of the start codon, G replaced by A.
Molecular consequence: 5 prime UTR variant.
Genome position (GRCh38, 1-based): chrX:133,985,488, C>T on the plus strand (G>A on the coding strand, the complement: GPC3 is on the minus strand). VCF-style: chrX-133985488-C-T. GRCh37 (hg19) VCF-style: chrX-133119515-C-T.
Other names: c.-39G>A (NM_001164617.2, NM_001164618.2, NM_001164619.2).
Identifiers: ClinVar variation 516102 (VCV000516102.1), dbSNP rs185369906, ClinGen allele CA10520900.

ClinVar aggregate classification (germline): Benign (1 of 4 stars; one submission).

Allele frequency attached by ClinVar (database versions not stated): gnomAD exomes 0.00110 and 0.00255; ExAC 0.00574; 1000 Genomes Project 0.00954; 1000 Genomes Project 30x 0.01041; gnomAD 0.01151 and 0.01235; TOPMed 0.01314; ESP Exome Variant Server 0.01334.
gnomAD v4.1: 2,513 of 1,142,417 alleles (0.22%); highest among the groups gnomAD compares: African/African-American, 3.8%; 33 homozygotes.

Submission:

GeneDx
Classification: Benign. Last evaluated: 2017-09-05. Review status: criteria provided, single submitter. Criteria: GeneDx Variant Classification (06012015). Collection method: clinical testing. Allele origin: germline. Affected: yes.
Comment: This variant is considered likely benign or benign based on one or more of the following criteria: it is a conservative change, it occurs at a poorly conserved position in the protein, it is predicted to be benign by multiple in silico algorithms, and/or has population frequency not consistent with disease.